The following is an entry in ClinVar:

ClinVar aggregate classification (germline): Uncertain significance (1 of 4 stars; one submission).

Allele frequency attached by ClinVar (database versions not stated): ExAC 0.00002; gnomAD exomes 0.00002; gnomAD 0.00003 and 0.00004; TOPMed 0.00003.
gnomAD v4.1: 32 of 1,612,516 alleles (0.002%); highest among the groups gnomAD compares: African/African-American, 0.0027%; no homozygotes.

Submission:

Labcorp Genetics (formerly Invitae), Labcorp
Classification: Uncertain significance. Last evaluated: 2022-08-09. Review status: criteria provided, single submitter. Criteria: Invitae Variant Classification Sherloc (09022015). Collection method: clinical testing. Allele origin: germline.
Comment: In summary, the available evidence is currently insufficient to determine the role of this variant in disease. Therefore, it has been classified as a Variant of Uncertain Significance. Algorithms developed to predict the effect of missense changes on protein structure and function are either unavailable or do not agree on the potential impact of this missense change (SIFT: "Tolerated"; PolyPhen-2: "Possibly Damaging"; Align-GVGD: "Class C0"). ClinVar contains an entry for this variant (Variation ID: 1446274). This variant has not been reported in the literature in individuals affected with CCDC88A-related conditions. This variant is present in population databases (rs765003003, gnomAD 0.004%). This sequence change replaces threonine, which is neutral and polar, with asparagine, which is neutral and polar, at codon 7 of the CCDC88A protein (p.Thr7Asn).

NM_001365480.1(CCDC88A):c.20C>A (p.Thr7Asn)

Gene: CCDC88A (coiled-coil domain containing 88A; minus strand). Cytogenetic location: 2p16.1.
Variant type: single nucleotide variant.
Coding change: c.20C>A on transcript NM_001365480.1 (MANE Select); coding-DNA position 20, C replaced by A.
Protein change: p.Thr7Asn; replaces threonine 7 with asparagine.
Molecular consequence: missense variant.
Genome position (GRCh38, 1-based): chr2:55,419,060, G>T on the plus strand (C>A on the coding strand, the complement: CCDC88A is on the minus strand). VCF-style: chr2-55419060-G-T. GRCh37 (hg19) VCF-style: chr2-55646196-G-T.
Other names: c.20C>A, p.Thr7Asn (NM_001135597.2, NM_001254943.2, NM_018084.5); short protein forms T7N.
Identifiers: ClinVar variation 1446274 (VCV001446274.5), dbSNP rs765003003, ClinGen allele CA1666528.